The following is an entry in ClinVar:

ClinVar aggregate classification (germline): Uncertain significance (1 of 4 stars; one submission).

Allele frequency attached by ClinVar (database versions not stated): gnomAD exomes below 0.00001; TOPMed below 0.00001.
gnomAD v4.1: 13 of 1,613,108 alleles (0.00081%); highest among the groups gnomAD compares: African/African-American, 0.008%; no homozygotes.

Submission:

Labcorp Genetics (formerly Invitae), Labcorp
Classification: Uncertain significance. Last evaluated: 2023-05-23. Review status: criteria provided, single submitter. Criteria: Invitae Variant Classification Sherloc (09022015). Collection method: clinical testing. Allele origin: germline.
Comment: ClinVar contains an entry for this variant (Variation ID: 1922012). Advanced modeling of protein sequence and biophysical properties (such as structural, functional, and spatial information, amino acid conservation, physicochemical variation, residue mobility, and thermodynamic stability) performed at Invitae indicates that this missense variant is not expected to disrupt POLR1A protein function. This variant has not been reported in the literature in individuals affected with POLR1A-related conditions. This sequence change replaces isoleucine, which is neutral and non-polar, with valine, which is neutral and non-polar, at codon 390 of the POLR1A protein (p.Ile390Val). This variant is not present in population databases (gnomAD no frequency). In summary, the available evidence is currently insufficient to determine the role of this variant in disease. Therefore, it has been classified as a Variant of Uncertain Significance.

NM_015425.6(POLR1A):c.1168A>G (p.Ile390Val)

Gene: POLR1A (RNA polymerase I subunit A; minus strand). Cytogenetic location: 2p11.2.
Variant type: single nucleotide variant.
Coding change: c.1168A>G on transcript NM_015425.6 (MANE Select); coding-DNA position 1168, A replaced by G.
Protein change: p.Ile390Val; replaces isoleucine 390 with valine.
Molecular consequence: missense variant.
Genome position (GRCh38, 1-based): chr2:86,078,203, T>C on the plus strand (A>G on the coding strand, the complement: POLR1A is on the minus strand). VCF-style: chr2-86078203-T-C. GRCh37 (hg19) VCF-style: chr2-86305326-T-C.
Other names: short protein forms I390V.
Identifiers: ClinVar variation 1922012 (VCV001922012.5), dbSNP rs567887061, ClinGen allele CA51359731.